The following is an entry in ClinVar:

ClinVar aggregate classification (germline): Uncertain significance. Review status: criteria provided, multiple submitters, no conflicts (2 of 4 stars). 3 submissions from 3 submitters: Uncertain significance (3). Last evaluated 2021-10-27.

Conditions:
Autosomal recessive limb-girdle muscular dystrophy type 2K. Also called: MUSCULAR DYSTROPHY, LIMB-GIRDLE, TYPE 2K; MUSCULAR DYSTROPHY-DYSTROGLYCANOPATHY (LIMB-GIRDLE), TYPE C, 1. Identifiers: Orphanet 86812, MedGen C1836373, MONDO:0012248, OMIM 609308.
Walker-Warburg congenital muscular dystrophy. Also called: Muscular dystrophy-dystroglycanopathy, type A; Walker-Warburg syndrome. Identifiers: Orphanet 899, MedGen C0265221, MONDO:0000171.
Muscular dystrophy-dystroglycanopathy (congenital with impaired intellectual development), type B, 1. Also called: Muscular dystrophy-dystroglycanopathy (congenital with intellectual disability), type B1; MUSCULAR DYSTROPHY, CONGENITAL, POMT1-RELATED. Identifiers: MedGen C5436962, MONDO:0013159, OMIM 613155.

Allele frequency attached by ClinVar (database versions not stated): TOPMed below 0.00001; ExAC 0.00001.

Submissions (3):

Labcorp Genetics (formerly Invitae), Labcorp
Classification: Uncertain significance for Muscular dystrophy-dystroglycanopathy (congenital with impaired intellectual development), type B, 1; Walker-Warburg congenital muscular dystrophy; Autosomal recessive limb-girdle muscular dystrophy type 2K. Last evaluated: 2021-10-27. Review status: criteria provided, single submitter. Criteria: Invitae Variant Classification Sherloc (09022015). Collection method: clinical testing. Allele origin: germline.
Comment: This sequence change replaces valine, a(n) neutral and non-polar amino acid, with isoleucine, a(n) neutral and non-polar amino acid, at codon 283 of the POMT1 protein (p.Val283Ile). This variant is present in population databases (rs759734493, gnomAD 0.0009%). This variant has not been reported in the literature in individuals affected with POMT1-related conditions. ClinVar contains an entry for this variant (Variation ID: 448115). Algorithms developed to predict the effect of missense changes on protein structure and function output the following: SIFT: "Tolerated"; PolyPhen-2: "Benign"; Align-GVGD: "Class C0". The isoleucine amino acid residue is found in multiple mammalian species, which suggests that this missense change does not adversely affect protein function. In summary, the available evidence is currently insufficient to determine the role of this variant in disease. Therefore, it has been classified as a Variant of Uncertain Significance.

Revvity Omics, Revvity
Classification: Uncertain significance. Last evaluated: 2021-03-29. Review status: criteria provided, single submitter. Criteria: ACMG Guidelines, 2015. Collection method: clinical testing. Allele origin: germline.

Athena Diagnostics
Classification: Uncertain significance. Last evaluated: 2016-12-09. Review status: criteria provided, single submitter. Criteria: Athena Diagnostics Criteria. Collection method: clinical testing. Allele origin: germline.

NM_001077365.2(POMT1):c.781G>A (p.Val261Ile)

Gene: POMT1 (protein O-mannosyltransferase 1; plus strand). Cytogenetic location: 9q34.13.
Variant type: single nucleotide variant.
Coding change: c.781G>A on transcript NM_001077365.2 (MANE Select); coding-DNA position 781, G replaced by A.
Protein change: p.Val261Ile; replaces valine 261 with isoleucine.
Molecular consequence: missense variant. On other transcripts: non-coding transcript variant (10).
Genome position (GRCh38, 1-based): chr9:131,510,341, G>A. VCF-style: chr9-131510341-G-A. GRCh37 (hg19) VCF-style: chr9-134385728-G-A.
Other names: c.619G>A, p.Val207Ile (NM_001077366.2, NM_001353194.2, NM_001374693.1); c.781G>A, p.Val261Ile (NM_001136113.2, NM_001374690.1); c.430G>A, p.Val144Ile (NM_001136114.2, NM_001353195.2, NM_001374691.1 and 1 more transcripts); c.847G>A, p.Val283Ile (NM_001353193.2, NM_007171.4); c.691G>A, p.Val231Ile (NM_001353196.2); c.685G>A, p.Val229Ile (NM_001353197.2, NM_001353198.2); c.496G>A, p.Val166Ile (NM_001353199.2); c.325G>A, p.Val109Ile (NM_001353200.2); and 2 more; short protein forms V283I, V261I, V207I, V229I, V166I, V231I, V109I, V144I.
Identifiers: ClinVar variation 448115 (VCV000448115.6), dbSNP rs759734493, ClinGen allele CA5293437.